The following is an entry in ClinVar:

NM_032043.3(BRIP1):c.1002C>T (p.Ala334=)

Gene: BRIP1 (BRCA1 interacting DNA helicase 1; minus strand). Cytogenetic location: 17q23.2.
Variant type: single nucleotide variant.
Coding change: c.1002C>T on transcript NM_032043.3 (MANE Select); coding-DNA position 1002, C replaced by T.
Protein change: p.Ala334=; no amino-acid change (alanine 334 retained).
Molecular consequence: synonymous variant.
Genome position (GRCh38, 1-based): chr17:61,801,391, G>A on the plus strand (C>T on the coding strand, the complement: BRIP1 is on the minus strand). VCF-style: chr17-61801391-G-A. GRCh37 (hg19) VCF-style: chr17-59878752-G-A.
Identifiers: ClinVar variation 921358 (VCV000921358.5), dbSNP rs2077991101, ClinGen allele CA501151955.

ClinVar aggregate classification (germline): Benign/Likely benign. Review status: criteria provided, multiple submitters, no conflicts (2 of 4 stars). 3 submissions from 3 submitters: Benign (1); Likely benign (2). Last evaluated 2024-08-22.

Conditions:
Hereditary cancer-predisposing syndrome. Also called: Hereditary Cancer Syndrome; Hereditary neoplastic syndrome; Neoplastic Syndromes, Hereditary; Tumor predisposition. Identifiers: Orphanet 140162, MedGen C0027672, MeSH D009386, MONDO:0015356.
Familial cancer of breast. Also called: hereditary breast carcinoma; BREAST CANCER, FAMILIAL; Hereditary breast cancer. Identifiers: Orphanet 227535, MedGen C0346153, MONDO:0016419, OMIM 114480. Disease mechanism: loss of function.
Fanconi anemia complementation group J. Also called: BRIP1-Related Fanconi Anemia. Identifiers: Orphanet 84, MedGen C1836860, MONDO:0012187, OMIM 609054.

Submissions (3):

Myriad Genetics, Inc.
Classification: Benign for Familial cancer of breast. Last evaluated: 2024-08-22. Review status: criteria provided, single submitter. Criteria: Myriad Autosomal Dominant, Autosomal Recessive and X-Linked Classification Criteria (2023). Collection method: clinical testing. Allele origin: unknown.
Comment: This variant is considered benign. This variant is a silent/synonymous amino acid change and it is not expected to impact splicing.

Labcorp Genetics (formerly Invitae), Labcorp
Classification: Likely benign for Familial cancer of breast; Fanconi anemia complementation group J. Last evaluated: 2024-08-08. Review status: criteria provided, single submitter. Criteria: Invitae Variant Classification Sherloc (09022015). Collection method: clinical testing. Allele origin: germline.

Color Diagnostics, LLC DBA Color Health
Classification: Likely benign for Hereditary cancer-predisposing syndrome. Last evaluated: 2019-04-26. Review status: criteria provided, single submitter. Criteria: ACMG Guidelines, 2015. Collection method: clinical testing. Allele origin: germline.